The following is an entry in ClinVar:

NM_002047.4(GARS1):c.428-17C>T

Gene: GARS1 (glycyl-tRNA synthetase 1; plus strand). Cytogenetic location: 7p14.3.
Variant type: single nucleotide variant.
Coding change: c.428-17C>T on transcript NM_002047.4 (MANE Select); 17 bases into the intron before coding-DNA position 428, C replaced by T.
Molecular consequence: intron variant.
Genome position (GRCh38, 1-based): chr7:30,601,042, C>T. VCF-style: chr7-30601042-C-T. GRCh37 (hg19) VCF-style: chr7-30640658-C-T.
Other names: c.266-17C>T (NM_001316772.1); c.428-17C>T (LRG_243t1).
Identifiers: ClinVar variation 377912 (VCV000377912.11), dbSNP rs370452042, ClinGen allele CA4205704.

ClinVar aggregate classification (germline): Likely benign. Review status: criteria provided, multiple submitters, no conflicts (2 of 4 stars). 5 submissions from 5 submitters: Likely benign (5). Last evaluated 2026-01-14.

Conditions:
Charcot-Marie-Tooth disease type 2. Also called: Charcot-Marie-Tooth type 2. Identifiers: Orphanet 64746, MedGen C0270914, MONDO:0018993.
Charcot-Marie-Tooth disease. Also called: Charcot-Marie-Tooth Neuropathy; Charcot-Marie-Tooth Hereditary Neuropathy. Identifiers: Orphanet 166, MedGen C0007959, MONDO:0015626.

Allele frequency attached by ClinVar (database versions not stated): ExAC 0.00032; gnomAD 0.00038 and 0.00040; TOPMed 0.00039; ESP Exome Variant Server 0.00058.
gnomAD v4.1: 632 of 1,612,948 alleles (0.039%); highest among the groups gnomAD compares: Admixed American, 0.1%; no homozygotes.

Submissions (5):

Labcorp Genetics (formerly Invitae), Labcorp
Classification: Likely benign for Charcot-Marie-Tooth disease type 2. Last evaluated: 2026-01-14. Review status: criteria provided, single submitter. Criteria: Invitae Variant Classification Sherloc (09022015). Collection method: clinical testing. Allele origin: germline.

Blueprint Genetics
Classification: Likely benign. Last evaluated: 2024-11-23. Review status: criteria provided, single submitter. Criteria: ACMG Guidelines, 2015. Collection method: clinical testing. Allele origin: germline.

ARUP Laboratories, Molecular Genetics and Genomics, ARUP Laboratories
Classification: Likely benign. Last evaluated: 2024-05-30. Review status: criteria provided, single submitter. Criteria: ARUP Molecular Germline Variant Investigation Process 2024. Collection method: clinical testing. Allele origin: germline.

GeneDx
Classification: Likely benign. Last evaluated: 2017-07-21. Review status: criteria provided, single submitter. Criteria: GeneDx Variant Classification (06012015). Collection method: clinical testing. Allele origin: germline. Affected: yes.
Comment: This variant is considered likely benign or benign based on one or more of the following criteria: it is a conservative change, it occurs at a poorly conserved position in the protein, it is predicted to be benign by multiple in silico algorithms, and/or has population frequency not consistent with disease.

Molecular Genetics Laboratory, London Health Sciences Centre
Classification: Likely benign for Charcot-Marie-Tooth disease. Review status: criteria provided, single submitter. Criteria: ACMG Guidelines, 2015. Collection method: clinical testing. Allele origin: germline. Affected: yes.